The following is an entry in ClinVar:

ClinVar aggregate classification (germline): Conflicting classifications of pathogenicity. Review status: criteria provided, conflicting classifications (1 of 4 stars). 4 submissions from 4 submitters: Uncertain significance (3); Likely benign (1). Last evaluated 2026-09-08.

Conditions:
Arrhythmogenic right ventricular dysplasia 11. Also called: Arrhythmogenic Right Ventricular Dysplasia/Cardiomyopathy11; ARRHYTHMOGENIC RIGHT VENTRICULAR DYSPLASIA, FAMILIAL, 11; Arrhythmogenic right ventricular dysplasia 11 with mild palmoplantar keratoderma and woolly hair. Identifiers: MedGen C1864850, MONDO:0012506, OMIM 610476.
Familial isolated arrhythmogenic right ventricular dysplasia. Identifiers: Orphanet 217656, MedGen C4274968, MONDO:0016342.
Cardiomyopathy (CMYO). Also called: Cardiomyopathies. Identifiers: Orphanet 167848, MedGen C0878544, MONDO:0004994, HP:0001638. Inheritance: Various modes of inheritance.
Cardiovascular phenotype. Identifiers: MedGen CN230736.

Allele frequency attached by ClinVar (database versions not stated): gnomAD 0.00001; gnomAD exomes 0.00001; TOPMed 0.00001; ExAC 0.00003.
gnomAD v4.1: 23 of 1,613,564 alleles (0.0014%); highest among the groups gnomAD compares: Admixed American, 0.0033%; no homozygotes.

Submissions (4):

Ambry Genetics
Classification: Likely benign for Cardiovascular phenotype. Last evaluated: 2026-09-08. Review status: criteria provided, single submitter. Criteria: Ambry Variant Classification Scheme 2023. Collection method: clinical testing. Allele origin: germline.

Labcorp Genetics (formerly Invitae), Labcorp
Classification: Uncertain significance for Arrhythmogenic right ventricular dysplasia 11. Last evaluated: 2025-07-28. Review status: criteria provided, single submitter. Criteria: Invitae Variant Classification Sherloc (09022015). Collection method: clinical testing. Allele origin: germline.
Comment: This sequence change replaces threonine, which is neutral and polar, with methionine, which is neutral and non-polar, at codon 163 of the DSC2 protein (p.Thr163Met). This variant is present in population databases (rs758759298, gnomAD 0.01%). This missense change has been observed in individual(s) with dilated cardiomyopathy (PMID: 31983221). ClinVar contains an entry for this variant (Variation ID: 570777). Invitae Evidence Modeling of protein sequence and biophysical properties (such as structural, functional, and spatial information, amino acid conservation, physicochemical variation, residue mobility, and thermodynamic stability) indicates that this missense variant is not expected to disrupt DSC2 protein function with a negative predictive value of 80%. In summary, the available evidence is currently insufficient to determine the role of this variant in disease. Therefore, it has been classified as a Variant of Uncertain Significance.

All of Us Research Program, National Institutes of Health
Classification: Uncertain significance for Familial isolated arrhythmogenic right ventricular dysplasia. Last evaluated: 2024-06-11. Review status: criteria provided, single submitter. Criteria: ACMG Guidelines, 2015. Collection method: clinical testing. Allele origin: germline. Inheritance: Autosomal dominant inheritance. Observed: 4 variant alleles, 4 heterozygotes.
Comment: This missense variant replaces threonine with methionine at codon 163 of the DSC2 protein. Computational prediction suggests that this variant may not impact protein structure and function (internally defined REVEL score threshold <= 0.5, PMID: 27666373). Splice site prediction tools suggest that this variant may not impact RNA splicing. To our knowledge, functional studies have not been performed for this variant. This variant has not been reported in individuals affected with cardiovascular disorders in the literature. This variant has been identified in 3/251028 chromosomes in the general population by the Genome Aggregation Database (gnomAD). The available evidence is insufficient to determine the role of this variant in disease conclusively. Therefore, this variant is classified as a Variant of Uncertain Significance.

This study involves interpretation of variants in research participants for the purpose of population health screening. Participant phenotype was not available at the time of variant classification. Additional details can be found in publication PMID: 35346344, PMCID: PMC8962531

Color Diagnostics, LLC DBA Color Health
Classification: Uncertain significance for Cardiomyopathy. Last evaluated: 2023-09-13. Review status: criteria provided, single submitter. Criteria: ACMG Guidelines, 2015. Collection method: clinical testing. Allele origin: germline.
Comment: This missense variant replaces threonine with methionine at codon 163 of the DSC2 protein. Computational prediction suggests that this variant may not impact protein structure and function (internally defined REVEL score threshold <= 0.5, PMID: 27666373). To our knowledge, functional studies have not been reported for this variant. This variant has been reported in one individual affected with dilated cardiomyopathy (PMID: 31983221). This variant has been identified in 3/251028 chromosomes in the general population by the Genome Aggregation Database (gnomAD). The available evidence is insufficient to determine the role of this variant in disease conclusively. Therefore, this variant is classified as a Variant of Uncertain Significance.

Literature cited by the submitters: PubMed 31983221 (cited by 3 submitters).

NM_024422.6(DSC2):c.488C>T (p.Thr163Met)

Gene: DSC2 (desmocollin 2; minus strand). Cytogenetic location: 18q12.1.
Variant type: single nucleotide variant.
Coding change: c.488C>T on transcript NM_024422.6 (MANE Select); coding-DNA position 488, C replaced by T.
Protein change: p.Thr163Met; replaces threonine 163 with methionine.
Molecular consequence: missense variant.
Genome position (GRCh38, 1-based): chr18:31,089,581, G>A on the plus strand (C>T on the coding strand, the complement: DSC2 is on the minus strand). VCF-style: chr18-31089581-G-A. GRCh37 (hg19) VCF-style: chr18-28669544-G-A.
Other names: c.488C>T, p.Thr163Met (NM_004949.5); short protein forms T163M.
Identifiers: ClinVar variation 570777 (VCV000570777.17), dbSNP rs758759298, ClinGen allele CA038653.